The following is an entry in ClinVar:

NM_021035.3(ZNFX1):c.452G>A (p.Ser151Asn)

Gene: ZNFX1 (zinc finger NFX1-type containing 1; minus strand). Cytogenetic location: 20q13.13.
Variant type: single nucleotide variant.
Coding change: c.452G>A on transcript NM_021035.3 (MANE Select); coding-DNA position 452, G replaced by A.
Protein change: p.Ser151Asn; replaces serine 151 with asparagine.
Molecular consequence: missense variant.
Genome position (GRCh38, 1-based): chr20:49,271,360, C>T on the plus strand (G>A on the coding strand, the complement: ZNFX1 is on the minus strand). VCF-style: chr20-49271360-C-T. GRCh37 (hg19) VCF-style: chr20-47887897-C-T.
Other names: short protein forms S151N.
Identifiers: ClinVar variation 2634500 (VCV002634500.2), dbSNP rs142980794, ClinGen allele CA9902643.

ClinVar aggregate classification (germline): Uncertain significance. Review status: criteria provided, multiple submitters, no conflicts (2 of 4 stars). 2 submissions from 2 submitters: Uncertain significance (2). Last evaluated 2024-07-09.

Conditions:
Inborn genetic diseases. Identifiers: MedGen C0950123, MeSH D030342.
ZNFX1-related disorder. Also called: ZNFX1-related condition.

Allele frequency attached by ClinVar (database versions not stated): ExAC 0.00005; ESP Exome Variant Server 0.00015; 1000 Genomes Project 0.00020; 1000 Genomes Project 30x 0.00031; gnomAD 0.00046; TOPMed 0.00064.

Submissions (2):

Ambry Genetics
Classification: Uncertain significance for Inborn genetic diseases. Last evaluated: 2024-07-09. Review status: criteria provided, single submitter. Criteria: Ambry Variant Classification Scheme 2023. Collection method: clinical testing. Allele origin: germline.

PreventionGenetics, part of Exact Sciences
Classification: Uncertain significance for ZNFX1-related condition. Last evaluated: 2023-07-24. Review status: criteria provided, single submitter. Criteria: ACMG Guidelines, 2015. Collection method: clinical testing. Allele origin: germline.
Comment: The ZNFX1 c.452G>A variant is predicted to result in the amino acid substitution p.Ser151Asn. To our knowledge, this variant has not been reported in the literature. This variant is reported in 0.13% of alleles in individuals of African descent in gnomAD, including 1 homozygous individual. Although we suspect that this variant may be benign, at this time, the clinical significance of this variant is uncertain due to the absence of conclusive functional and genetic evidence.